The following is an entry in ClinVar:

ClinVar aggregate classification (germline): Uncertain significance (1 of 4 stars; one submission).

Conditions:
Charcot-Marie-Tooth disease type 2. Also called: Charcot-Marie-Tooth type 2. Identifiers: Orphanet 64746, MedGen C0270914, MONDO:0018993.

Submission:

Labcorp Genetics (formerly Invitae), Labcorp
Classification: Uncertain significance for Charcot-Marie-Tooth disease type 2. Last evaluated: 2022-09-20. Review status: criteria provided, single submitter. Criteria: Invitae Variant Classification Sherloc (09022015). Collection method: clinical testing. Allele origin: germline.
Comment: Information on the frequency of this variant in the gnomAD database is not available, as this variant may be reported differently in the database. This sequence change replaces glycine, which is neutral and non-polar, with asparagine, which is neutral and polar, at codon 582 of the GARS protein (p.Gly582Asn). In summary, the available evidence is currently insufficient to determine the role of this variant in disease. Therefore, it has been classified as a Variant of Uncertain Significance. Algorithms developed to predict the effect of missense changes on protein structure and function are either unavailable or do not agree on the potential impact of this missense change (SIFT: "Not Available"; PolyPhen-2: "Probably Damaging"; Align-GVGD: "Not Available"). This variant has not been reported in the literature in individuals affected with GARS-related conditions.

NM_002047.4(GARS1):c.1744_1745delinsAA (p.Gly582Asn)

Gene: GARS1 (glycyl-tRNA synthetase 1; plus strand). Cytogenetic location: 7p14.3.
Variant type: Indel.
Coding change: c.1744_1745delinsAA on transcript NM_002047.4 (MANE Select); coding-DNA positions 1744 to 1745, GG replaced by AA.
Protein change: p.Gly582Asn; replaces glycine 582 with asparagine.
Molecular consequence: missense variant.
Genome position (GRCh38, 1-based): chr7:30,628,604-30,628,605, GG replaced by AA. VCF-style: chr7-30628604-GG-AA. GRCh37 (hg19) VCF-style: chr7-30668220-GG-AA.
Other names: c.1582_1583delinsAA, p.Gly528Asn (NM_001316772.1); short protein forms G582N, G528N.
Identifiers: ClinVar variation 2031433 (VCV002031433.4), dbSNP rs2534331848, ClinGen allele CA2580077115.